The following is an entry in ClinVar:

NM_024422.6(DSC2):c.2142G>A (p.Leu714=)

Gene: DSC2 (desmocollin 2; minus strand). Cytogenetic location: 18q12.1.
Variant type: single nucleotide variant.
Coding change: c.2142G>A on transcript NM_024422.6 (MANE Select); coding-DNA position 2142, G replaced by A.
Protein change: p.Leu714=; no amino-acid change (leucine 714 retained).
Molecular consequence: synonymous variant.
Genome position (GRCh38, 1-based): chr18:31,070,834, C>T on the plus strand (G>A on the coding strand, the complement: DSC2 is on the minus strand). VCF-style: chr18-31070834-C-T. GRCh37 (hg19) VCF-style: chr18-28650800-C-T.
Other names: c.1713G>A, p.Leu571= (NM_001406506.1, NM_001406507.1); c.2142G>A, p.Leu714= (NM_004949.5).
Identifiers: ClinVar variation 2160061 (VCV002160061.28), dbSNP rs540366026, ClinGen allele CA035018.

ClinVar aggregate classification (germline): Likely benign. Review status: criteria provided, multiple submitters, no conflicts (2 of 4 stars). 2 submissions from 2 submitters: Likely benign (2). Last evaluated 2026-01-13.

Conditions:
Arrhythmogenic right ventricular dysplasia 11. Also called: Arrhythmogenic Right Ventricular Dysplasia/Cardiomyopathy11; ARRHYTHMOGENIC RIGHT VENTRICULAR DYSPLASIA, FAMILIAL, 11; Arrhythmogenic right ventricular dysplasia 11 with mild palmoplantar keratoderma and woolly hair. Identifiers: MedGen C1864850, MONDO:0012506, OMIM 610476.

Submissions (2):

Labcorp Genetics (formerly Invitae), Labcorp
Classification: Likely benign for Arrhythmogenic right ventricular dysplasia 11. Last evaluated: 2026-01-13. Review status: criteria provided, single submitter. Criteria: Invitae Variant Classification Sherloc (09022015). Collection method: clinical testing. Allele origin: germline.

CeGaT Center for Human Genetics Tuebingen
Classification: Likely benign. Last evaluated: 2024-02-01. Review status: criteria provided, single submitter. Criteria: CeGaT Center For Human Genetics Tuebingen Variant Classification Criteria Version 2. Collection method: clinical testing. Allele origin: germline. Affected: yes. Observed: 1 variant allele.
Comment: DSC2: BP4, BP7